The following is an entry in ClinVar:

NM_001376.5(DYNC1H1):c.5263C>A (p.Gln1755Lys)

Gene: DYNC1H1 (dynein cytoplasmic 1 heavy chain 1; plus strand). Cytogenetic location: 14q32.31.
Variant type: single nucleotide variant.
Coding change: c.5263C>A on transcript NM_001376.5 (MANE Select); coding-DNA position 5263, C replaced by A.
Protein change: p.Gln1755Lys; replaces glutamine 1755 with lysine.
Molecular consequence: missense variant.
Genome position (GRCh38, 1-based): chr14:102,005,066, C>A. VCF-style: chr14-102005066-C-A. GRCh37 (hg19) VCF-style: chr14-102471403-C-A.
Other names: short protein forms Q1755K.
Identifiers: ClinVar variation 2015622 (VCV002015622.4), dbSNP rs2503739639, ClinGen allele CA391046131.
Genomic context (GRCh38, chr14:102,005,066, plus strand): 5'-AATGATCCTTTGGGATCTTGTTTCTGTGTCTTTCAGGCCCAGCTTGTGGTTTTGTCAGCC[C>A]AGATAGCCTGGTCTGAGAACGTGGAGACCGCACTGAGCAGCATGGGCGGAGGTGGAGATG-3'
Protein context (NP_001367.2, residues 1745-1765): YQAQLVVLSA[Gln1755Lys]IAWSENVETA

ClinVar aggregate classification (germline): Uncertain significance (1 of 4 stars; one submission).

Conditions:
Charcot-Marie-Tooth disease axonal type 2O. Also called: Charcot-Marie-Tooth disease, axonal, type 20; CHARCOT-MARIE-TOOTH NEUROPATHY, AXONAL, TYPE 2O; CHARCOT-MARIE-TOOTH DISEASE, AXONAL, AUTOSOMAL DOMINANT, TYPE 2O; Charcot-Marie-Tooth Neuropathy Type 2O. Identifiers: Orphanet 284232, MedGen C3280220, MONDO:0013644, OMIM 614228.

Submission:

Labcorp Genetics (formerly Invitae), Labcorp
Classification: Uncertain significance for Charcot-Marie-Tooth disease axonal type 2O. Last evaluated: 2025-07-14. Review status: criteria provided, single submitter. Criteria: Invitae Variant Classification Sherloc (09022015). Collection method: clinical testing. Allele origin: germline.
Comment: This sequence change replaces glutamine, which is neutral and polar, with lysine, which is basic and polar, at codon 1755 of the DYNC1H1 protein (p.Gln1755Lys). This variant is not present in population databases (gnomAD no frequency). This variant has not been reported in the literature in individuals affected with DYNC1H1-related conditions. ClinVar contains an entry for this variant (Variation ID: 2015622). Invitae Evidence Modeling of protein sequence and biophysical properties (such as structural, functional, and spatial information, amino acid conservation, physicochemical variation, residue mobility, and thermodynamic stability) indicates that this missense variant is expected to disrupt DYNC1H1 protein function with a positive predictive value of 95%. In summary, the available evidence is currently insufficient to determine the role of this variant in disease. Therefore, it has been classified as a Variant of Uncertain Significance.